The following is an entry in ClinVar:

NM_014023.4(WDR37):c.356C>T (p.Ser119Phe)

Gene: WDR37 (WD repeat domain 37; plus strand). Cytogenetic location: 10p15.3.
Variant type: single nucleotide variant.
Coding change: c.356C>T on transcript NM_014023.4 (MANE Select); coding-DNA position 356, C replaced by T.
Protein change: p.Ser119Phe; replaces serine 119 with phenylalanine.
Molecular consequence: missense variant.
Genome position (GRCh38, 1-based): chr10:1,080,436, C>T. VCF-style: chr10-1080436-C-T. GRCh37 (hg19) VCF-style: chr10-1126376-C-T.
Other names: short protein forms S119F.
Identifiers: ClinVar variation 633617 (VCV000633617.10), dbSNP rs1589088690, ClinGen allele CA375856264.

ClinVar aggregate classification (germline): Pathogenic/Likely pathogenic. Review status: criteria provided, multiple submitters, no conflicts (2 of 4 stars). 9 submissions from 9 submitters: Pathogenic (3); Likely pathogenic (4). 2 of the submissions do not count toward it. Last evaluated 2025-03-17.

Conditions:
Neurooculocardiogenitourinary syndrome. Identifiers: Orphanet 684305, MedGen C5231443, MONDO:0032850, OMIM 618652.
Congenital ocular coloboma. Also called: COLOBOMA OF IRIS, CHOROID, AND RETINA; COLOBOMA, UVEORETINAL; Coloboma of eye; Coloboma. Identifiers: Orphanet 194, MedGen C0009363, MONDO:0001476, HP:0000589.
Dysmorphism. Identifiers: MedGen C1737329.
Isolated cerebellar hypoplasia/agenesis (CHEGDD). Also called: Cerebellar hypoplasia/atrophy, epilepsy, and global developmental delay. Identifiers: Orphanet 1398, Orphanet 2246, MedGen C5231391, MONDO:0008939, OMIM 213000.
Intellectual disability. Also called: intellectual disabilities; Intellectual functioning disability; Intellectual developmental disorder. Identifiers: MedGen C3714756, MeSH D008607, MONDO:0001071, HP:0001249.
Epilepsy. Also called: Seizure disorder. Identifiers: MedGen C0014544, MeSH D004827, MONDO:0005027.
Developmental delay. Also called: Delayed development. Identifiers: MedGen C0424605.

Submissions (9):

Variantyx, Inc.
Classification: Pathogenic for Neurooculocardiogenitourinary syndrome. Last evaluated: 2025-03-17. Review status: criteria provided, single submitter. Criteria: Variantyx Assertion Criteria 2022. Collection method: clinical testing. Allele origin: de novo. Affected: yes.
Comment: This is a nonsynonymous variant in the WDR37 gene (OMIM: 618586). Pathogenic variants in this gene have been associated with autosomal dominant neurooculocardiogenitourinary syndrome. This variant has been reported in at least two unrelated affected individuals (PMID: 31327510, 31327508) (PS4_Moderate). This variant lies within a known hotspot for pathogenic variants or a well-established critical functional domain of the WDR37 protein (PMID: 31327510) (PM1). This variant is absent from control populations (PM2_Supporting). Computational algorithms produce conflicting evidence regarding the predicted functional impact of this variant (REVEL score: 0.479). Based on the current evidence, this variant is classified as pathogenic for autosomal dominant neurooculocardiogenitourinary syndrome.

Division of Genetic & Genomic Pathology, Hong Kong Children's Hospital
Classification: Likely pathogenic for Neurooculocardiogenitourinary syndrome. Last evaluated: 2024-10-28. Review status: criteria provided, single submitter. Criteria: ACMG Guidelines, 2015. Collection method: clinical testing. Allele origin: de novo. Affected: yes.
Comment: The missense variant WDR37 c.356C>T p.(Ser119Phe) is located in exon 5 (out of 14 exons) of the gene. The variant is absent in population databases (gnomAD v2.1.1 and gnomAD v4.1.0). It has been reported de novo in multiple unrelated patients with clinical features of neurooculocardiogenitourinary syndrome in the literature and in ClinVar (PMID: 31327508, 31327510; ClinVar accession: VCV000633617.6). For these reasons, this variant is classified as likely pathogenic.

New York Genome Center
Classification: Likely pathogenic for Neurooculocardiogenitourinary syndrome. Last evaluated: 2024-03-28. Review status: criteria provided, single submitter. Criteria: NYGC Assertion Criteria 2020. Collection method: clinical testing. Allele origin: germline. Affected: yes. Observed: 1 variant allele, 1 heterozygote.
Comment: The c.356C>T variant is absent in population databases (gnomAD v4.0.0, BRAVO-TOPMed, All of US) suggesting it is not a common benign variant in the populations represented in those databases. The c.356C>T varianthas been deposited in ClinVar [ClinVar ID:633617] as a Pathogenic (1 submission) and Likely Pathogenic (2 submissions). The c.356C>T variant is located in exon 5 of this 14-exon gene and is predicted to replace an evolutionarily conserved serine amino acid with phenylalanine at position 119/494 p.(Ser119Phe) upstream of the first WD40 repeat of the WDR37 gene [PMID: 34642815]. In silico predictions are inconclusive regarding the effect for p.(Ser119Phe) [REVEL = 0.479)]; however, there are no functional studies to support or refute these predictions. Based on available evidence this heterozygous c.356C>T p.(Ser119Phe) variant identified in WDR37 is classified as Likely Pathogenic.

Institute of Medical Genetics and Applied Genomics, University Hospital Tübingen
Classification: Likely pathogenic for Neurooculocardiogenitourinary syndrome. Last evaluated: 2022-12-20. Review status: criteria provided, single submitter. Criteria: ACMG Guidelines, 2015. Collection method: clinical testing. Allele origin: germline. Inheritance: Autosomal dominant inheritance. Affected: yes.

Laboratory of Medical Genetics, University of Torino
Classification: Pathogenic for Neurooculocardiogenitourinary syndrome. Last evaluated: 2022-11-29. Review status: criteria provided, single submitter. Criteria: ACMG Guidelines, 2015. Collection method: research. Allele origin: germline. Affected: yes. Study: NeuroWES.

Equipe Genetique des Anomalies du Developpement, Université de Bourgogne
Classification: Pathogenic for Neurooculocardiogenitourinary syndrome. Last evaluated: 2022-07-18. Review status: criteria provided, single submitter. Criteria: ACMG Guidelines, 2015. Collection method: clinical testing. Allele origin: de novo. Inheritance: Autosomal dominant inheritance. Affected: yes.

Undiagnosed Diseases Program Translational Research Laboratory, National Institutes of Health
Classification: Likely pathogenic for Developmental delay; Dysmorphism; Intellectual disability; Cerebellar hypoplasia; Epilepsy; Coloboma. Last evaluated: 2019-05-06. Review status: criteria provided, single submitter. Criteria: UDP ClinVar Assertion WDR37 050619. Collection method: research. Allele origin: de novo. Affected: yes. Observed: 1 variant allele.

Laboratory of Research in Genomics, Genetics and Bioinformatics, Hospital Infantil de Mexico Federico Gomez
Classification: Pathogenic for Neurooculocardiogenitourinary syndrome. Last evaluated: 2025-04-08. Review status: no assertion criteria provided. Collection method: research. Allele origin: germline. Affected: yes. Not counted in ClinVar's aggregate classification.

OMIM
Classification: Pathogenic for NEUROOCULOCARDIOGENITOURINARY SYNDROME. Last evaluated: 2024-09-23. Review status: no assertion criteria provided. Collection method: literature only. Allele origin: germline. Not counted in ClinVar's aggregate classification.

Literature cited by the submitters: PubMed 31327508 (cited by Division of Genetic & Genomic Pathology, Hong Kong Children's Hospital and New York Genome Center); PubMed 31327510 (cited by 3 submitters); PubMed 31491411 (cited by OMIM).